The following is an entry in ClinVar:

ClinVar aggregate classification (germline): Uncertain significance. Review status: criteria provided, multiple submitters, no conflicts (2 of 4 stars). 2 submissions from 2 submitters: Uncertain significance (2). Last evaluated 2023-10-25.

Conditions:
Inborn genetic diseases. Identifiers: MedGen C0950123, MeSH D030342.

gnomAD v4.1: 11 of 1,603,516 alleles (0.00069%); highest among the groups gnomAD compares: Non-Finnish European, 0.00094%; no homozygotes.

Submissions (2):

Ambry Genetics
Classification: Uncertain significance for Inborn genetic diseases. Last evaluated: 2023-10-25. Review status: criteria provided, single submitter. Criteria: Ambry Variant Classification Scheme 2023. Collection method: clinical testing. Allele origin: germline.

GeneDx
Classification: Uncertain significance. Last evaluated: 2022-05-27. Review status: criteria provided, single submitter. Criteria: GeneDx Variant Classification Process June 2021. Collection method: clinical testing. Allele origin: germline. Affected: yes.
Comment: Not observed at significant frequency in large population cohorts (gnomAD); In silico analysis supports that this missense variant has a deleterious effect on protein structure/function; Has not been previously published as pathogenic or benign to our knowledge

NM_001393769.1(MED12L):c.4328G>A (p.Arg1443His)

Genes: MED12L (mediator complex subunit 12L; plus strand), P2RY12 (purinergic receptor P2Y12; minus strand). Cytogenetic location: 3q25.1.
Variant type: single nucleotide variant.
Coding change: c.4328G>A on transcript NM_001393769.1 (MANE Select); coding-DNA position 4328, G replaced by A.
Protein change: p.Arg1443His; replaces arginine 1443 with histidine.
Molecular consequence: missense variant. On other transcripts: intron variant (1).
Genome position (GRCh38, 1-based): chr3:151,378,023, G>A. VCF-style: chr3-151378023-G-A. GRCh37 (hg19) VCF-style: chr3-151095811-G-A.
Other names: c.4223G>A, p.Arg1408His (NM_053002.6); c.-180+6669C>T (NM_022788.5); short protein forms R1408H, R1443H.
Identifiers: ClinVar variation 1800867 (VCV001800867.2), dbSNP rs1281559445, ClinGen allele CA354973032.